The following is an entry in ClinVar:

NM_001384140.1(PCDH15):c.1836C>A (p.Ser612Arg)

Gene: PCDH15 (protocadherin related 15; minus strand). Cytogenetic location: 10q21.1.
Variant type: single nucleotide variant.
Coding change: c.1836C>A on transcript NM_001384140.1 (MANE Select); coding-DNA position 1836, C replaced by A.
Protein change: p.Ser612Arg; replaces serine 612 with arginine.
Molecular consequence: missense variant. On other transcripts: intron variant (1).
Genome position (GRCh38, 1-based): chr10:54,132,956, G>T on the plus strand (C>A on the coding strand, the complement: PCDH15 is on the minus strand). VCF-style: chr10-54132956-G-T. GRCh37 (hg19) VCF-style: chr10-55892716-G-T.
Other names: c.1836C>A, p.Ser612Arg (NM_001142764.2, NM_001142766.2, NM_001142770.3 and 5 more transcripts); c.1725C>A, p.Ser575Arg (NM_001142767.2); c.1770C>A, p.Ser590Arg (NM_001142768.2, NM_001142773.2, NM_001354404.2); c.1872C>A, p.Ser624Arg (NM_001142769.4); c.1851C>A, p.Ser617Arg (NM_001142771.2, NM_001142763.2); c.1857C>A, p.Ser619Arg (NM_001354411.2); c.1784+20144C>A (NM_001142765.2); short protein forms S617R, S624R, S575R, S590R, S612R, S619R.
Identifiers: ClinVar variation 969249 (VCV000969249.12), dbSNP rs200226791, ClinGen allele CA5506247.

ClinVar aggregate classification (germline): Conflicting classifications of pathogenicity. Review status: criteria provided, conflicting classifications (1 of 4 stars). 5 submissions from 5 submitters: Uncertain significance (3); Likely benign (1). 1 of the submissions does not count toward it. Last evaluated 2026-06-03.

Conditions:
Inborn genetic diseases. Identifiers: MedGen C0950123, MeSH D030342.
Usher syndrome type 1F (USH1F). Also called: USHER SYNDROME, TYPE IF. Identifiers: Orphanet 231169, Orphanet 886, MedGen C1865885, MONDO:0011186, OMIM 602083.
PCDH15-related disorder. Also called: PCDH15-related disorders; PCDH15-related condition.

Allele frequency attached by ClinVar (database versions not stated): gnomAD 0.00001 and 0.00002; TOPMed 0.00004; 1000 Genomes Project 0.00020; 1000 Genomes Project 30x 0.00031.
gnomAD v4.1: 44 of 1,614,112 alleles (0.0027%); highest among the groups gnomAD compares: Admixed American, 0.052%; 1 homozygote.

Submissions (5):

GeneDx
Classification: Uncertain significance. Last evaluated: 2026-06-03. Review status: criteria provided, single submitter. Criteria: GeneDx Variant Classification Process June 2021. Collection method: clinical testing. Allele origin: germline.
Comment: In silico analysis suggests that this missense variant does not alter protein structure/function; Has not been previously published as pathogenic or benign to our knowledge

PreventionGenetics, part of Exact Sciences
Classification: Uncertain significance for PCDH15-related condition. Last evaluated: 2026-04-16. Review status: criteria provided, single submitter. Criteria: ACMG Guidelines, 2015. Collection method: clinical testing. Allele origin: germline.
Comment: The PCDH15 c.1836C>A variant is predicted to result in the amino acid substitution p.Ser612Arg. To our knowledge, this variant has not been reported in the literature. This variant is reported in 0.075% of alleles in individuals of Latino descent in gnomAD. Although we suspect that this variant may be benign, at this time, the clinical significance of this variant is uncertain due to the absence of conclusive functional and genetic evidence.

Labcorp Genetics (formerly Invitae), Labcorp
Classification: Likely benign. Last evaluated: 2026-02-02. Review status: criteria provided, single submitter. Criteria: Invitae Variant Classification Sherloc (09022015). Collection method: clinical testing. Allele origin: germline.

Ambry Genetics
Classification: Uncertain significance for Inborn genetic diseases. Last evaluated: 2025-05-19. Review status: criteria provided, single submitter. Criteria: Ambry Variant Classification Scheme 2023. Collection method: clinical testing. Allele origin: germline.

Natera, Inc.
Classification: Uncertain significance for Usher syndrome type 1F. Last evaluated: 2020-02-26. Review status: no assertion criteria provided. Collection method: clinical testing. Allele origin: germline. Not counted in ClinVar's aggregate classification.